The following is an entry in ClinVar:

ClinVar aggregate classification (germline): Conflicting classifications of pathogenicity. Review status: criteria provided, conflicting classifications (1 of 4 stars). 3 submissions from 3 submitters: Pathogenic (1); Uncertain significance (2). Last evaluated 2025-12-08.

Conditions:
Cardiovascular phenotype. Identifiers: MedGen CN230736.
Dilated cardiomyopathy 1DD (CMD1DD). Identifiers: Orphanet 154, MedGen C2750995, MONDO:0013168, OMIM 613172.

Submissions (3):

Labcorp Genetics (formerly Invitae), Labcorp
Classification: Pathogenic for Dilated cardiomyopathy 1DD. Last evaluated: 2025-12-08. Review status: criteria provided, single submitter. Criteria: Invitae Variant Classification Sherloc (09022015). Collection method: clinical testing. Allele origin: germline.
Comment: This sequence change creates a premature translational stop signal (p.Pro33Argfs*71) in the RBM20 gene. It is expected to result in an absent or disrupted protein product. Loss-of-function variants in RBM20 are known to be pathogenic (PMID: 20590677, 22004663, 38288598, 38510713, 40339755). This variant is present in population databases (no rsID available, gnomAD 0.01%). This variant has not been reported in the literature in individuals affected with RBM20-related conditions. ClinVar contains an entry for this variant (Variation ID: 1395600). For these reasons, this variant has been classified as Pathogenic.

Ambry Genetics
Classification: Uncertain significance for Cardiovascular phenotype. Last evaluated: 2025-04-17. Review status: criteria provided, single submitter. Criteria: Ambry Variant Classification Scheme 2023. Collection method: clinical testing. Allele origin: germline.
Comment: The c.98delC variant, located in coding exon 1 of the RBM20 gene, results from a deletion of one nucleotide at nucleotide position 98, causing a translational frameshift with a predicted alternate stop codon (p.P33Rfs*71). This alteration is expected to result in loss of function by premature protein truncation or nonsense-mediated mRNA decay. However, loss of function of RBM20 has not been clearly established as a mechanism of disease. Since supporting evidence is limited at this time, the clinical significance of this alteration remains unclear.

GeneDx
Classification: Uncertain significance. Last evaluated: 2025-04-15. Review status: criteria provided, single submitter. Criteria: GeneDx Variant Classification Process June 2021. Collection method: clinical testing. Allele origin: germline.
Comment: Not observed at significant frequency in large population cohorts (gnomAD); Frameshift variant predicted to result in protein truncation or nonsense mediated decay in a gene or region of a gene for which loss of function is not a well-established mechanism of disease; Has not been previously published as pathogenic or benign to our knowledge

Literature cited by the submitters: PubMed 20590677 (cited by Labcorp Genetics (formerly Invitae), Labcorp); PubMed 22004663 (cited by Labcorp Genetics (formerly Invitae), Labcorp); PubMed 38288598 (cited by Labcorp Genetics (formerly Invitae), Labcorp); PubMed 38510713 (cited by Labcorp Genetics (formerly Invitae), Labcorp); PubMed 40339755 (cited by Labcorp Genetics (formerly Invitae), Labcorp).

NM_001134363.3(RBM20):c.98del (p.Pro33fs)

Gene: RBM20 (RNA binding motif protein 20; plus strand). Cytogenetic location: 10q25.2.
Variant type: Deletion.
Coding change: c.98del on transcript NM_001134363.3 (MANE Select); coding-DNA position 98, one base deleted (C; older notation c.98delC).
Protein change: p.Pro33fs; shifts the reading frame from proline 33.
Molecular consequence: frameshift variant.
Genome position (GRCh38, 1-based): chr10:110,644,552, C deleted; the last of 4 consecutive C bases (chr10:110,644,549-110,644,552); deleting any one gives the same sequence. VCF-style (leftmost placement, unchanged base first): chr10-110644548-TC-T. GRCh37 (hg19) VCF-style: chr10-112404306-TC-T.
Other names: c.98del (NM_001134363.1); short protein forms P33fs.
Identifiers: ClinVar variation 1395600 (VCV001395600.11), dbSNP rs1413443268, ClinGen allele CA596022008.